The following is an entry in ClinVar:

NM_001191061.2(SLC25A22):c.693C>T (p.Ala231=)

Gene: SLC25A22 (solute carrier family 25 member 22; minus strand). Cytogenetic location: 11p15.5.
Variant type: single nucleotide variant.
Coding change: c.693C>T on transcript NM_001191061.2 (MANE Select); coding-DNA position 693, C replaced by T.
Protein change: p.Ala231=; no amino-acid change (alanine 231 retained).
Molecular consequence: synonymous variant.
Genome position (GRCh38, 1-based): chr11:792,353, G>A on the plus strand (C>T on the coding strand, the complement: SLC25A22 is on the minus strand). VCF-style: chr11-792353-G-A. GRCh37 (hg19) VCF-style: chr11-792353-G-A.
Other names: p.Ala231=; c.693C>T, p.Ala231= (NM_001191060.2, NM_024698.6).
Identifiers: ClinVar variation 881218 (VCV000881218.14), dbSNP rs530935116, ClinGen allele CA5789097.

ClinVar aggregate classification (germline): Conflicting classifications of pathogenicity. Review status: criteria provided, conflicting classifications (1 of 4 stars). 3 submissions from 3 submitters: Uncertain significance (1); Likely benign (2). Last evaluated 2025-05-07.

Conditions:
Early-infantile DEE. Also called: Early infantile epileptic encephalopathy; Ohtahara syndrome; Early infantile epileptic encephalopathy with suppression bursts. Identifiers: Orphanet 1934, MedGen C0393706, MONDO:0800491.
Early Myoclonic Encephalopathy. Identifiers: MedGen C0270855.

Allele frequency attached by ClinVar (database versions not stated): gnomAD exomes 0.00006; 1000 Genomes Project 30x 0.00016; 1000 Genomes Project 0.00020; gnomAD 0.00001; ExAC 0.00005.
gnomAD v4.1: 53 of 1,613,192 alleles (0.0033%); highest among the groups gnomAD compares: South Asian, 0.043%; no homozygotes.

Submissions (3):

Mayo Clinic Laboratories, Mayo Clinic
Classification: Likely benign. Last evaluated: 2025-05-07. Review status: criteria provided, single submitter. Criteria: ACMG Guidelines, 2015. Collection method: clinical testing. Allele origin: germline. Observed: 1 variant allele.
Comment: BP4, BP7

Labcorp Genetics (formerly Invitae), Labcorp
Classification: Likely benign for Early-infantile DEE. Last evaluated: 2025-03-06. Review status: criteria provided, single submitter. Criteria: Invitae Variant Classification Sherloc (09022015). Collection method: clinical testing. Allele origin: germline.

Illumina Laboratory Services, Illumina
Classification: Uncertain significance for Developmental and epileptic encephalopathy, 3. Last evaluated: 2018-01-13. Review status: criteria provided, single submitter. Criteria: ICSL Variant Classification Criteria 13 December 2019. Collection method: clinical testing. Allele origin: germline.